The following is an entry in ClinVar:

ClinVar aggregate classification (germline): Benign. Review status: criteria provided, multiple submitters, no conflicts (2 of 4 stars). 6 submissions from 6 submitters: Benign (5). 1 of the submissions does not count toward it. Last evaluated 2026-02-04.

Conditions:
Abetalipoproteinaemia (ABL). Also called: MTP DEFICIENCY; Abetalipoproteinemia; Abetalipoproteinemia neuropathy; Apolipoprotein B deficiency; Congenital betalipoprotein deficiency syndrome. Identifiers: Orphanet 14, MedGen C0000744, MONDO:0008692, OMIM 200100, HP:0008181.

Allele frequency attached by ClinVar (database versions not stated): gnomAD exomes 0.04363; ExAC 0.04592; gnomAD 0.07042 and 0.07360; 1000 Genomes Project 0.07069; 1000 Genomes Project 30x 0.07261; TOPMed 0.07472; ESP Exome Variant Server 0.07858.
gnomAD v4.1: 72,936 of 1,613,834 alleles (4.5%); highest among the groups gnomAD compares: African/African-American, 16%; 2,338 homozygotes.

Submissions (6):

Labcorp Genetics (formerly Invitae), Labcorp
Classification: Benign. Last evaluated: 2026-02-04. Review status: criteria provided, single submitter. Criteria: Invitae Variant Classification Sherloc (09022015). Collection method: clinical testing. Allele origin: germline.

Mayo Clinic Laboratories, Mayo Clinic
Classification: Benign. Last evaluated: 2022-04-26. Review status: criteria provided, single submitter. Criteria: ACMG Guidelines, 2015. Collection method: clinical testing. Allele origin: germline. Observed: 148 variant alleles.

GeneDx
Classification: Benign. Last evaluated: 2018-09-21. Review status: criteria provided, single submitter. Criteria: GeneDx Variant Classification (06012015). Collection method: clinical testing. Allele origin: germline. Affected: yes.

Illumina Laboratory Services, Illumina
Classification: Benign for Abetalipoproteinaemia. Last evaluated: 2018-01-13. Review status: criteria provided, single submitter. Criteria: ICSL Variant Classification Criteria 13 December 2019. Collection method: clinical testing. Allele origin: germline.
Comment: This variant was observed in the ICSL laboratory as part of a predisposition screen in an ostensibly healthy population. It had not been previously curated by ICSL or reported in the Human Gene Mutation Database (HGMD: prior to June 1st, 2018), and was therefore a candidate for classification through an automated scoring system. Utilizing variant allele frequency, disease prevalence and penetrance estimates, and inheritance mode, an automated score was calculated to assess if this variant is too frequent to cause the disease. Based on the score and internal cut-off values, a variant classified as benign is not then subjected to further curation. The score for this variant resulted in a classification of benign for this disease.

Breakthrough Genomics
Classification: Benign. Review status: criteria provided, single submitter. Criteria: ACMG Guidelines, 2015. Collection method: not provided. Allele origin: germline. Inheritance: Autosomal recessive inheritance. Affected: yes.

Natera, Inc.
Classification: Benign for Abetalipoproteinemia. Last evaluated: 2019-11-22. Review status: no assertion criteria provided. Collection method: clinical testing. Allele origin: germline. Not counted in ClinVar's aggregate classification.

NM_001386140.1(MTTP):c.933C>A (p.Thr311=)

Gene: MTTP (microsomal triglyceride transfer protein; plus strand). Cytogenetic location: 4q23.
Variant type: single nucleotide variant.
Coding change: c.933C>A on transcript NM_001386140.1 (MANE Select); coding-DNA position 933, C replaced by A.
Protein change: p.Thr311=; no amino-acid change (threonine 311 retained).
Molecular consequence: synonymous variant.
Genome position (GRCh38, 1-based): chr4:99,597,090, C>A. VCF-style: chr4-99597090-C-A. GRCh37 (hg19) VCF-style: chr4-100518247-C-A.
Other names: p.Thr311=; c.933C>A, p.Thr311= (NM_000253.4); c.684C>A, p.Thr228= (NM_001300785.2); c.933C>A (NM_000253.3).
Identifiers: ClinVar variation 347031 (VCV000347031.18), dbSNP rs17029213, ClinGen allele CA3021995.